The following is an entry in ClinVar:

ClinVar aggregate classification (germline): Uncertain significance. Review status: criteria provided, multiple submitters, no conflicts (2 of 4 stars). 4 submissions from 4 submitters: Uncertain significance (4). Last evaluated 2025-03-14.

Conditions:
Hereditary cancer-predisposing syndrome. Also called: Neoplastic Syndromes, Hereditary; Hereditary neoplastic syndrome; Hereditary Cancer Syndrome; Tumor predisposition. Identifiers: Orphanet 140162, MedGen C0027672, MeSH D009386, MONDO:0015356.
Cardiovascular phenotype. Identifiers: MedGen CN230736.
Neurofibromatosis, type 1 (NF1). Also called: Neurofibromatosis, type I; VON RECKLINGHAUSEN DISEASE; NEUROFIBROMATOSIS, TYPE I, SOMATIC; Peripheral type neurofibromatosis. Identifiers: Orphanet 636, MedGen C0027831, MONDO:0018975, OMIM 162200. Disease mechanism: loss of function.

Allele frequency attached by ClinVar (database versions not stated): TOPMed below 0.00001; gnomAD 0.00001.
gnomAD v4.1: 1 of 1,613,766 alleles (0.000062%); highest among the groups gnomAD compares: African/African-American, 0.0013%; no homozygotes.

Submissions (4):

Ambry Genetics
Classification: Uncertain significance for Cardiovascular phenotype; Hereditary cancer-predisposing syndrome. Last evaluated: 2025-03-14. Review status: criteria provided, single submitter. Criteria: Ambry Variant Classification Scheme 2023. Collection method: clinical testing. Allele origin: germline.
Comment: The p.P1466L variant (also known as c.4397C>T), located in coding exon 33 of the NF1 gene, results from a C to T substitution at nucleotide position 4397. The proline at codon 1466 is replaced by leucine, an amino acid with similar properties. This amino acid position is highly conserved in available vertebrate species. In addition, this alteration is predicted to be deleterious by in silico analysis. Based on the available evidence, the clinical significance of this variant remains unclear.

Labcorp Genetics (formerly Invitae), Labcorp
Classification: Uncertain significance for Neurofibromatosis, type 1. Last evaluated: 2024-06-04. Review status: criteria provided, single submitter. Criteria: Invitae Variant Classification Sherloc (09022015). Collection method: clinical testing. Allele origin: germline.
Comment: This sequence change replaces proline, which is neutral and non-polar, with leucine, which is neutral and non-polar, at codon 1466 of the NF1 protein (p.Pro1466Leu). This variant is not present in population databases (gnomAD no frequency). This variant has not been reported in the literature in individuals affected with NF1-related conditions. ClinVar contains an entry for this variant (Variation ID: 996533). Advanced modeling of protein sequence and biophysical properties (such as structural, functional, and spatial information, amino acid conservation, physicochemical variation, residue mobility, and thermodynamic stability) performed at Invitae indicates that this missense variant is expected to disrupt NF1 protein function with a positive predictive value of 95%. In summary, the available evidence is currently insufficient to determine the role of this variant in disease. Therefore, it has been classified as a Variant of Uncertain Significance.

Genome-Nilou Lab
Classification: Uncertain significance for Neurofibromatosis, type 1. Last evaluated: 2022-03-15. Review status: criteria provided, single submitter. Criteria: ACMG Guidelines, 2015. Collection method: clinical testing. Allele origin: germline. Affected: no.

Genome Diagnostics Laboratory, The Hospital for Sick Children
Classification: Uncertain significance for Neurofibromatosis, type 1. Last evaluated: 2020-10-26. Review status: criteria provided, single submitter. Criteria: ACMG Guidelines, 2015. Collection method: clinical testing. Allele origin: germline. Affected: yes.

NM_001042492.3(NF1):c.4460C>T (p.Pro1487Leu)

Gene: NF1 (neurofibromin 1; plus strand). Cytogenetic location: 17q11.2.
Variant type: single nucleotide variant.
Coding change: c.4460C>T on transcript NM_001042492.3 (MANE Select); coding-DNA position 4460, C replaced by T.
Protein change: p.Pro1487Leu; replaces proline 1487 with leucine.
Molecular consequence: missense variant.
Genome position (GRCh38, 1-based): chr17:31,260,398, C>T. VCF-style: chr17-31260398-C-T. GRCh37 (hg19) VCF-style: chr17-29587416-C-T.
Other names: c.4397C>T, p.Pro1466Leu (NM_000267.4); short protein forms P1466L, P1487L.
Identifiers: ClinVar variation 996533 (VCV000996533.13), dbSNP rs2067663223, ClinGen allele CA398999278.